The following is an entry in ClinVar:

NM_016343.4(CENPF):c.5999A>G (p.His2000Arg)

Gene: CENPF (centromere protein F; plus strand). Cytogenetic location: 1q41.
Variant type: single nucleotide variant.
Coding change: c.5999A>G on transcript NM_016343.4 (MANE Select); coding-DNA position 5999, A replaced by G.
Protein change: p.His2000Arg; replaces histidine 2000 with arginine.
Molecular consequence: missense variant.
Genome position (GRCh38, 1-based): chr1:214,645,569, A>G. VCF-style: chr1-214645569-A-G. GRCh37 (hg19) VCF-style: chr1-214818912-A-G.
Other names: short protein forms H2000R.
Identifiers: ClinVar variation 727219 (VCV000727219.11), dbSNP rs148462791, ClinGen allele CA1390891.
Genomic context (GRCh38, chr1:214,645,569, plus strand): 5'-TGTCTGAAAAAATGAAGGAGAAAACACAAGAGCTTGAGTCTCATCAAAGTGAGTGTCTCC[A>G]TTGCATTCAGGTGGCAGAGGCAGAGGTGAAGGAAAAGACGGAACTCCTTCAGACTTTGTC-3'
Protein context (NP_057427.3, residues 1990-2010): ELESHQSECL[His2000Arg]CIQVAEAEVK

ClinVar aggregate classification (germline): Conflicting classifications of pathogenicity. Review status: criteria provided, conflicting classifications (1 of 4 stars). 4 submissions from 4 submitters: Uncertain significance (1); Benign (1); Likely benign (1). 1 of the submissions does not count toward it. Last evaluated 2025-12-16.

Conditions:
CENPF-related disorder. Also called: CENPF-related condition.
Inborn genetic diseases. Identifiers: MedGen C0950123, MeSH D030342.

Allele frequency attached by ClinVar (database versions not stated): gnomAD exomes 0.00048; ExAC 0.00064; gnomAD 0.00136 and 0.00139; ESP Exome Variant Server 0.00146; TOPMed 0.00151; 1000 Genomes Project 30x 0.00250; 1000 Genomes Project 0.00319.
gnomAD v4.1: 497 of 1,614,170 alleles (0.031%); highest among the groups gnomAD compares: African/African-American, 0.48%; 2 homozygotes.

Submissions (4):

Ambry Genetics
Classification: Uncertain significance for Inborn genetic diseases. Last evaluated: 2025-12-16. Review status: criteria provided, single submitter. Criteria: Ambry Variant Classification Scheme 2023. Collection method: clinical testing. Allele origin: germline.

Labcorp Genetics (formerly Invitae), Labcorp
Classification: Benign. Last evaluated: 2025-04-21. Review status: criteria provided, single submitter. Criteria: Invitae Variant Classification Sherloc (09022015). Collection method: clinical testing. Allele origin: germline.

Blueprint Genetics
Classification: Likely benign. Last evaluated: 2024-10-24. Review status: criteria provided, single submitter. Criteria: ACMG Guidelines, 2015. Collection method: clinical testing. Allele origin: germline.

PreventionGenetics, part of Exact Sciences
Classification: Likely benign for CENPF-related condition. Last evaluated: 2024-03-12. Review status: no assertion criteria provided. Collection method: clinical testing. Allele origin: germline. Not counted in ClinVar's aggregate classification.
Comment: This variant is classified as likely benign based on ACMG/AMP sequence variant interpretation guidelines (Richards et al. 2015 PMID: 25741868, with internal and published modifications).